The following is an entry in ClinVar:

ClinVar aggregate classification (germline): Uncertain significance. Review status: criteria provided, multiple submitters, no conflicts (2 of 4 stars). 2 submissions from 2 submitters: Uncertain significance (2). Last evaluated 2022-01-27.

Conditions:
Inborn genetic diseases. Identifiers: MedGen C0950123, MeSH D030342.

Allele frequency attached by ClinVar (database versions not stated): TOPMed 0.00001.
gnomAD v4.1: 12 of 992,372 alleles (0.0012%); highest among the groups gnomAD compares: South Asian, 0.011%; no homozygotes.

Submissions (2):

Labcorp Genetics (formerly Invitae), Labcorp
Classification: Uncertain significance. Last evaluated: 2022-01-27. Review status: criteria provided, single submitter. Criteria: Invitae Variant Classification Sherloc (09022015). Collection method: clinical testing. Allele origin: germline.
Comment: Algorithms developed to predict the effect of missense changes on protein structure and function output the following: SIFT: "Deleterious"; PolyPhen-2: "Benign"; Align-GVGD: "Class C0". The leucine amino acid residue is found in multiple mammalian species, which suggests that this missense change does not adversely affect protein function. In summary, the available evidence is currently insufficient to determine the role of this variant in disease. Therefore, it has been classified as a Variant of Uncertain Significance. This variant has not been reported in the literature in individuals affected with GPR143-related conditions. The frequency data for this variant in the population databases is considered unreliable, as metrics indicate poor data quality at this position in the gnomAD database. This sequence change replaces proline, which is neutral and non-polar, with leucine, which is neutral and non-polar, at codon 65 of the GPR143 protein (p.Pro65Leu).

Ambry Genetics
Classification: Uncertain significance for Inborn genetic diseases. Last evaluated: 2022-01-10. Review status: criteria provided, single submitter. Criteria: Ambry Variant Classification Scheme 2023. Collection method: clinical testing. Allele origin: germline.

NM_000273.3(GPR143):c.194C>T (p.Pro65Leu)

Gene: GPR143 (G protein-coupled receptor 143; minus strand). Cytogenetic location: Xp22.2.
Variant type: single nucleotide variant.
Coding change: c.194C>T on transcript NM_000273.3 (MANE Select); coding-DNA position 194, C replaced by T.
Protein change: p.Pro65Leu; replaces proline 65 with leucine.
Molecular consequence: missense variant.
Genome position (GRCh38, 1-based): chrX:9,765,624, G>A on the plus strand (C>T on the coding strand, the complement: GPR143 is on the minus strand). VCF-style: chrX-9765624-G-A. GRCh37 (hg19) VCF-style: chrX-9733664-G-A.
Other names: short protein forms P65L.
Identifiers: ClinVar variation 2090451 (VCV002090451.5), dbSNP rs1472550771, ClinGen allele CA412000508.
Genomic context (GRCh38, chrX:9,765,624, plus strand): 5'-TTACCCAGGCAGCCGAGAAGGTCGCAGGCAGCGGCAGCGCGCAGGATGCGGACCGAGGCC[G>A]GCGGGGACGTCGCGGGGGACCCGGGGCCCGCGGGCCGGCGGCCGGGCAGCAGCTGCAGAA-3'
Protein context (NP_000264.2, residues 55-75): AGPGSPATSP[Pro65Leu]ASVRILRAAA